The following is an entry in ClinVar:

NM_001843.4(CNTN1):c.200C>G (p.Ala67Gly)

Gene: CNTN1 (contactin 1; plus strand). Cytogenetic location: 12q12.
Variant type: single nucleotide variant.
Coding change: c.200C>G on transcript NM_001843.4 (MANE Select); coding-DNA position 200, C replaced by G.
Protein change: p.Ala67Gly; replaces alanine 67 with glycine.
Molecular consequence: missense variant.
Genome position (GRCh38, 1-based): chr12:40,918,744, C>G. VCF-style: chr12-40918744-C-G. GRCh37 (hg19) VCF-style: chr12-41312546-C-G.
Other names: c.200C>G, p.Ala67Gly (NM_001256063.2, NM_001256064.2); c.167C>G, p.Ala56Gly (NM_175038.2); short protein forms A56G, A67G.
Identifiers: ClinVar variation 4976046 (VCV004976046.1).

ClinVar aggregate classification (germline): Uncertain significance (1 of 4 stars; one submission).

Submission:

GeneDx
Classification: Uncertain significance. Last evaluated: 2026-02-21. Review status: criteria provided, single submitter. Criteria: GeneDx Variant Classification Process June 2021. Collection method: clinical testing. Allele origin: germline.
Comment: Not observed at significant frequency in large population cohorts (gnomAD); In silico analysis supports that this missense variant has a deleterious effect on protein structure/function; Has not been previously published as pathogenic or benign to our knowledge